The following is an entry in ClinVar:

ClinVar aggregate classification (germline): Uncertain significance (1 of 4 stars; one submission).

Submission:

Labcorp Genetics (formerly Invitae), Labcorp
Classification: Uncertain significance. Last evaluated: 2021-08-26. Review status: criteria provided, single submitter. Criteria: Invitae Variant Classification Sherloc (09022015). Collection method: clinical testing. Allele origin: germline.
Comment: This variant results in a copy number gain of the genomic region encompassing exon(s) 2-9 of the ANGPT1 gene. This region includes the termination codon of the gene. This copy number gain extends beyond the assayed region for this gene and therefore may encompass additional genes. As the precise location of this event is unknown, it may be in tandem or it may be located elsewhere in the genome. This variant has not been reported in the literature in individuals affected with ANGPT1-related conditions. Experimental studies and prediction algorithms are not available or were not evaluated, and the functional significance of this variant is currently unknown. In summary, the available evidence is currently insufficient to determine the role of this variant in disease. Therefore, it has been classified as a Variant of Uncertain Significance.

NC_000008.10:g.(?_108264083)_(108359345_?)dup

Gene: ANGPT1 (angiopoietin 1; minus strand). Cytogenetic location: 8q23.1.
Variant type: Duplication.
Identifiers: ClinVar variation 1373704 (VCV001373704.3).